The following is an entry in ClinVar:

ClinVar aggregate classification (germline): Uncertain significance (1 of 4 stars; one submission).

Conditions:
Hereditary cancer-predisposing syndrome. Also called: Tumor predisposition; Hereditary neoplastic syndrome; Hereditary Cancer Syndrome; Neoplastic Syndromes, Hereditary. Identifiers: Orphanet 140162, MedGen C0027672, MeSH D009386, MONDO:0015356.

Allele frequency attached by ClinVar (database versions not stated): 1000 Genomes Project 30x 0.00016; 1000 Genomes Project 0.00020.

Submission:

Color Diagnostics, LLC DBA Color Health
Classification: Uncertain significance for Hereditary cancer-predisposing syndrome. Last evaluated: 2023-12-21. Review status: criteria provided, single submitter. Criteria: ACMG Guidelines, 2015. Collection method: clinical testing. Allele origin: germline.
Comment: This variant changes a single nucleotide in the 5' untranslated region of the BRCA1 gene. To our knowledge, functional studies have not been reported for this variant. This variant has not been reported in individuals affected with hereditary cancer in the literature. This variant has not been identified in the general population by the Genome Aggregation Database (gnomAD). The available evidence is insufficient to determine the role of this variant in disease conclusively. Therefore, this variant is classified as a Variant of Uncertain Significance.

NM_007294.4(BRCA1):c.-106C>T

Genes: BRCA1 (BRCA1 DNA repair associated; minus strand), LOC111589215 (BRCA1 promoter region; plus strand). Cytogenetic location: 17q21.31.
Variant type: single nucleotide variant.
Coding change: c.-106C>T on transcript NM_007294.4 (MANE Select); 106 bases upstream of the start codon, C replaced by T.
Molecular consequence: 5 prime UTR variant. On other transcripts: non-coding transcript variant (1).
Genome position (GRCh38, 1-based): chr17:43,125,357, G>A on the plus strand (C>T on the coding strand, the complement: BRCA1 is on the minus strand). VCF-style: chr17-43125357-G-A. GRCh37 (hg19) VCF-style: chr17-41277374-G-A.
Other names: c.-187C>T (NM_007297.4); c.-100C>T (NM_007299.4); c.-106C>T (NM_007300.4).
Identifiers: ClinVar variation 1171499 (VCV001171499.5), dbSNP rs527449526, ClinGen allele CA290828303.
Genomic context (GRCh38, chr17:43,125,357, plus strand): 5'-CTCCTGAGCGCAGGGGCCCAGTTATCTGAGAAACCCCACAGCCTGTCCCCCGTCCAGGAA[G>A]TCTCAGCGAGCTCACGCCGCGCAGTCGCAGTTTTAATTTATCTGTAATTCCCGCGCTTTT-3'